The following is an entry in ClinVar:

ClinVar aggregate classification (germline): Benign (1 of 4 stars; one submission).

Conditions:
Retinitis pigmentosa (RP). Identifiers: Orphanet 791, MedGen C0035334, MeSH D012174, MONDO:0019200, OMIM 268000. Inheritance: Autosomal dominant, autosomal recessive and X linked inheritance.

Allele frequency attached by ClinVar (database versions not stated): 1000 Genomes Project 0.00079; 1000 Genomes Project 30x 0.00125; TOPMed 0.00552; gnomAD 0.00576 and 0.00599.

Submission:

Illumina Laboratory Services, Illumina
Classification: Benign for Retinitis pigmentosa. Last evaluated: 2018-01-13. Review status: criteria provided, single submitter. Criteria: ICSL Variant Classification Criteria 13 December 2019. Collection method: clinical testing. Allele origin: germline.
Comment: This variant was observed in the ICSL laboratory as part of a predisposition screen in an ostensibly healthy population. It had not been previously curated by ICSL or reported in the Human Gene Mutation Database (HGMD: prior to June 1st, 2018), and was therefore a candidate for classification through an automated scoring system. Utilizing variant allele frequency, disease prevalence and penetrance estimates, and inheritance mode, an automated score was calculated to assess if this variant is too frequent to cause the disease. Based on the score and internal cut-off values, a variant classified as benign is not then subjected to further curation. The score for this variant resulted in a classification of benign for this disease.

NM_006915.3(RP2):c.*2163T>C

Gene: RP2 (RP2 activator of ARL3 GTPase; plus strand). Cytogenetic location: Xp11.3.
Variant type: single nucleotide variant.
Coding change: c.*2163T>C on transcript NM_006915.3 (MANE Select); 2163 bases downstream of the stop codon, T replaced by C.
Molecular consequence: 3 prime UTR variant.
Genome position (GRCh38, 1-based): chrX:46,881,932, T>C. VCF-style: chrX-46881932-T-C. GRCh37 (hg19) VCF-style: chrX-46741367-T-C.
Identifiers: ClinVar variation 368326 (VCV000368326.5), dbSNP rs35931067, ClinGen allele CA10654326.